The following is an entry in ClinVar:

ClinVar aggregate classification (germline): Pathogenic (1 of 4 stars; one submission).

Conditions:
Familial cancer of breast. Also called: Hereditary breast cancer; BREAST CANCER, FAMILIAL; hereditary breast carcinoma. Identifiers: Orphanet 227535, MedGen C0346153, MONDO:0016419, OMIM 114480. Disease mechanism: loss of function.

Submission:

Myriad Genetics, Inc.
Classification: Pathogenic for Familial cancer of breast. Last evaluated: 2023-05-19. Review status: criteria provided, single submitter. Criteria: Myriad Autosomal Dominant, Autosomal Recessive and X-Linked Classification Criteria (2023). Collection method: clinical testing. Allele origin: unknown.
Comment: This variant is considered pathogenic. This variant creates a frameshift predicted to result in premature protein truncation.

NM_000465.4(BARD1):c.686_687insG (p.Phe229fs)

Gene: BARD1 (BRCA1 associated RING domain 1; minus strand). Cytogenetic location: 2q35.
Variant type: Insertion.
Coding change: c.686_687insG on transcript NM_000465.4 (MANE Select); coding-DNA positions 686 to 687, G inserted.
Protein change: p.Phe229fs; shifts the reading frame from phenylalanine 229.
Molecular consequence: frameshift variant. On other transcripts: non-coding transcript variant (2), intron variant (3).
Genome position: GRCh38 VCF-style: chr2-214781187-A-AC. GRCh37 (hg19) VCF-style: chr2-215645911-A-AC.
Other names: c.629_630insG, p.Phe210fs (NM_001282543.2); c.158+28224_158+28225insG (NM_001282548.2); c.215+15873_215+15874insG (NM_001282545.2); c.364+11109_364+11110insG (NM_001282549.2); short protein forms F210fs, F229fs.
Identifiers: ClinVar variation 2583240 (VCV002583240.2), dbSNP rs2469510019, ClinGen allele CA2582342097.